The following is an entry in ClinVar:

ClinVar aggregate classification (germline): Pathogenic (1 of 4 stars; one submission).

Submission:

Labcorp Genetics (formerly Invitae), Labcorp
Classification: Pathogenic. Last evaluated: 2023-12-30. Review status: criteria provided, single submitter. Criteria: Invitae Variant Classification Sherloc (09022015). Collection method: clinical testing. Allele origin: germline.
Comment: This sequence change results in a frameshift in the CCDC88C gene (p.Thr1840Alafs*224). While this is not anticipated to result in nonsense mediated decay, it is expected to disrupt the last 189 amino acid(s) of the CCDC88C protein and extend the protein by 34 additional amino acid residues. This variant is present in population databases (no rsID available, gnomAD 0.006%). This variant has not been reported in the literature in individuals affected with CCDC88C-related conditions. This variant disrupts a region of the CCDC88C protein in which other variant(s) (p.Glu1949Glyfs*26) have been determined to be pathogenic (PMID: 23042809). This suggests that this is a clinically significant region of the protein, and that variants that disrupt it are likely to be disease-causing. For these reasons, this variant has been classified as Pathogenic.

Literature cited by the submitters: PubMed 23042809.

NM_001080414.4(CCDC88C):c.5518_5521del (p.Thr1840fs)

Gene: CCDC88C (coiled-coil and HOOK domain protein 88C; minus strand). Cytogenetic location: 14q32.11.
Variant type: Deletion.
Coding change: c.5518_5521del on transcript NM_001080414.4 (MANE Select); coding-DNA positions 5518 to 5521, 4 bases deleted (ACAG; older notation c.5518_5521delACAG).
Protein change: p.Thr1840fs; shifts the reading frame from threonine 1840.
Molecular consequence: frameshift variant.
Genome position (GRCh38, 1-based): chr14:91,273,191-91,273,194, CTGT deleted on the plus strand (ACAG on the coding strand, the reverse complement: CCDC88C is on the minus strand); deleting any 4 consecutive bases within chr14:91,273,191-91,273,196 gives the same sequence; the c. name uses the placement nearest the transcript's 3' end. VCF-style (leftmost placement, unchanged base first): chr14-91273190-CCTGT-C. GRCh37 (hg19) VCF-style: chr14-91739534-CCTGT-C.
Other names: short protein forms T1840fs.
Identifiers: ClinVar variation 2800823 (VCV002800823.3), dbSNP rs1393804814, ClinGen allele CA616112293.